The following is an entry in ClinVar:

ClinVar aggregate classification (germline): Benign. Review status: criteria provided, multiple submitters, no conflicts (2 of 4 stars). 2 submissions from 2 submitters: Benign (2). Last evaluated 2018-06-19.

Allele frequency attached by ClinVar (database versions not stated): gnomAD exomes 0.00437; 1000 Genomes Project 0.03974; 1000 Genomes Project 30x 0.04372; gnomAD 0.04522 and 0.04908; TOPMed 0.05120.

Submissions (2):

GeneDx
Classification: Benign. Last evaluated: 2018-06-19. Review status: criteria provided, single submitter. Criteria: GeneDx Variant Classification (06012015). Collection method: clinical testing. Allele origin: germline. Affected: yes.
Comment: This variant is considered likely benign or benign based on one or more of the following criteria: it is a conservative change, it occurs at a poorly conserved position in the protein, it is predicted to be benign by multiple in silico algorithms, and/or has population frequency not consistent with disease.

Breakthrough Genomics
Classification: Benign. Review status: criteria provided, single submitter. Criteria: ACMG Guidelines, 2015. Collection method: not provided. Allele origin: germline. Inheritance: Autosomal recessive inheritance. Affected: yes.

NM_003331.5(TYK2):c.2175+95T>C

Gene: TYK2 (tyrosine kinase 2; minus strand). Cytogenetic location: 19p13.2.
Variant type: single nucleotide variant.
Coding change: c.2175+95T>C on transcript NM_003331.5 (MANE Select); 95 bases into the intron after coding-DNA position 2175, T replaced by C.
Molecular consequence: intron variant.
Genome position (GRCh38, 1-based): chr19:10,359,080, A>G on the plus strand (T>C on the coding strand, the complement: TYK2 is on the minus strand). VCF-style: chr19-10359080-A-G. GRCh37 (hg19) VCF-style: chr19-10469756-A-G.
Identifiers: ClinVar variation 675227 (VCV000675227.2), dbSNP rs280516, ClinGen allele CA14730295.